The following is an entry in ClinVar:

NM_003098.3(SNTA1):c.1088A>C (p.Glu363Ala)

Gene: SNTA1 (syntrophin alpha 1; minus strand). Cytogenetic location: 20q11.21.
Variant type: single nucleotide variant.
Coding change: c.1088A>C on transcript NM_003098.3 (MANE Select); coding-DNA position 1088, A replaced by C.
Protein change: p.Glu363Ala; replaces glutamic acid 363 with alanine.
Molecular consequence: missense variant.
Genome position (GRCh38, 1-based): chr20:33,410,284, T>G on the plus strand (A>C on the coding strand, the complement: SNTA1 is on the minus strand). VCF-style: chr20-33410284-T-G. GRCh37 (hg19) VCF-style: chr20-31998090-T-G.
Other names: p.E363A:GAG>GCG; short protein forms E363A.
Identifiers: ClinVar variation 190918 (VCV000190918.21), dbSNP rs147964932, ClinGen allele CA302282.

ClinVar aggregate classification (germline): Conflicting classifications of pathogenicity. Review status: criteria provided, conflicting classifications (1 of 4 stars). 6 submissions from 6 submitters: Uncertain significance (2); Likely benign (3). 1 of the submissions does not count toward it. Last evaluated 2025-10-19.

Conditions:
Cardiovascular phenotype. Identifiers: MedGen CN230736.
Long QT syndrome (LQTS). Identifiers: MedGen C0023976, MeSH D008133, MONDO:0002442. Disease mechanism: loss of function. Inheritance: Various modes of inheritance.
Long QT syndrome 12 (LQT12). Identifiers: Orphanet 101016, Orphanet 768, MedGen C2751830, MONDO:0013062, OMIM 612955.
Wolff-Parkinson-White pattern. Also called: Auriculoventricular accessory pathway syndrome; False bundle branch block syndrome; Anomalous ventricular excitation syndrome; WPW SYNDROME. Identifiers: MedGen C0043202, MONDO:0008685, OMIM 194200, HP:0001716.

Allele frequency attached by ClinVar (database versions not stated): TOPMed 0.00011; ESP Exome Variant Server 0.00015; 1000 Genomes Project 30x 0.00016; gnomAD 0.00017 and 0.00021; 1000 Genomes Project 0.00020; gnomAD exomes 0.00029 and 0.00032; ExAC 0.00039.
gnomAD v4.1: 458 of 1,611,690 alleles (0.028%); highest among the groups gnomAD compares: South Asian, 0.17%; 1 homozygote.

Submissions (6):

Labcorp Genetics (formerly Invitae), Labcorp
Classification: Uncertain significance for Long QT syndrome. Last evaluated: 2025-10-19. Review status: criteria provided, single submitter. Criteria: Invitae Variant Classification Sherloc (09022015). Collection method: clinical testing. Allele origin: germline.
Comment: This sequence change replaces glutamic acid, which is acidic and polar, with alanine, which is neutral and non-polar, at codon 363 of the SNTA1 protein (p.Glu363Ala). This variant is present in population databases (rs147964932, gnomAD 0.2%), and has an allele count higher than expected for a pathogenic variant. This missense change has been observed in individual(s) with long QT syndrome (PMID: 23631430). ClinVar contains an entry for this variant (Variation ID: 190918). Invitae Evidence Modeling of protein sequence and biophysical properties (such as structural, functional, and spatial information, amino acid conservation, physicochemical variation, residue mobility, and thermodynamic stability) indicates that this missense variant is not expected to disrupt SNTA1 protein function with a negative predictive value of 80%. In summary, the available evidence is currently insufficient to determine the role of this variant in disease. Therefore, it has been classified as a Variant of Uncertain Significance.

GeneDx
Classification: Uncertain significance. Last evaluated: 2024-01-11. Review status: criteria provided, single submitter. Criteria: GeneDx Variant Classification Process June 2021. Collection method: clinical testing. Allele origin: germline. Affected: yes.
Comment: Identified in patients with LQTS in published literature (PMID: 23631430, 36528013); Reported in an individual with a prolonged QTc, ventricular tachycardia, a clinical diagnosis of Marfan syndrome, and a history of sudden cardiac arrest; however, this proband was also found to harbor a de novo TGFBR2 variant, and this proband's unaffected mother was also heterozygous for this SNTA1 variant (PMID: 30158670); In silico analysis supports that this missense variant has a deleterious effect on protein structure/function; This variant is associated with the following publications: (PMID: 23631430, 36528013, 30158670)

Women's Health and Genetics/Laboratory Corporation of America, LabCorp
Classification: Likely benign. Last evaluated: 2023-02-13. Review status: criteria provided, single submitter. Criteria: LabCorp Variant Classification Summary - May 2015. Collection method: clinical testing. Allele origin: germline.

Ambry Genetics
Classification: Likely benign for Cardiovascular phenotype. Last evaluated: 2019-10-18. Review status: criteria provided, single submitter. Criteria: Ambry Variant Classification Scheme 2023. Collection method: clinical testing. Allele origin: germline.

Illumina Laboratory Services, Illumina
Classification: Likely benign for Long QT syndrome 12. Last evaluated: 2018-01-13. Review status: criteria provided, single submitter. Criteria: ICSL Variant Classification Criteria 13 December 2019. Collection method: clinical testing. Allele origin: germline.
Comment: This variant was observed in the ICSL laboratory as part of a predisposition screen in an ostensibly healthy population. It had not been previously curated by ICSL or reported in the Human Gene Mutation Database (HGMD: prior to June 1st, 2018), and was therefore a candidate for classification through an automated scoring system. Utilizing variant allele frequency, disease prevalence and penetrance estimates, and inheritance mode, an automated score was calculated to assess if this variant is too frequent to cause the disease. Based on the score and internal cut-off values, a variant classified as likely benign is not then subjected to further curation. The score for this variant resulted in a classification of likely benign for this disease.

Lupski Lab, Baylor-Hopkins CMG, Baylor College of Medicine
Classification: Uncertain significance for Wolff-Parkinson-White pattern. Last evaluated: 2017-07-14. Review status: no assertion criteria provided. Collection method: research. Allele origin: unknown. Affected: yes. Observed: 1 variant allele. Study: Candidate_variants_in_patients_with_ Wolff-Parkinson-White Syndrome. Not counted in ClinVar's aggregate classification.

Literature cited by the submitters: PubMed 23631430 (cited by Labcorp Genetics (formerly Invitae), Labcorp and Ambry Genetics).